The following is an entry in ClinVar:

ClinVar aggregate classification (germline): Conflicting classifications of pathogenicity. Review status: criteria provided, conflicting classifications (1 of 4 stars). 6 submissions from 6 submitters: Likely pathogenic (4); Uncertain significance (1). 1 of the submissions does not count toward it. Last evaluated 2025-11-21.

Conditions:
Autosomal recessive polycystic kidney disease (ARPKD). Also called: AR polycystic kidney disease. Identifiers: Orphanet 731, Orphanet 8378, MedGen C0085548, MeSH D017044, MONDO:0009889.
Polycystic kidney disease 4 (PKD4). Also called: Autosomal Recessive Polycystic Kidney Disease – PKHD1; POLYCYSTIC KIDNEY AND HEPATIC DISEASE 1; POLYCYSTIC KIDNEY DISEASE, INFANTILE, TYPE I; PKD3; POLYCYSTIC KIDNEY DISEASE 4 WITH OR WITHOUT POLYCYSTIC LIVER DISEASE. Identifiers: MedGen C4540575, MONDO:0033004, OMIM 263200.

Allele frequency attached by ClinVar (database versions not stated): gnomAD exomes below 0.00001 and 0.00001; TOPMed 0.00001; ExAC 0.00002.
gnomAD v4.1: 1 of 1,595,154 alleles (0.000063%); highest among the groups gnomAD compares: Admixed American, 0.0017%; no homozygotes.

Submissions (6):

Natera, Inc.
Classification: Likely pathogenic for Autosomal recessive polycystic kidney disease. Last evaluated: 2025-11-21. Review status: criteria provided, single submitter. Criteria: Natera Variant Classification Schema (03/2026). Collection method: clinical testing. Allele origin: germline.
Comment: The c.53-1G>A variant in PKHD1 is a canonical splice acceptor site variant predicted to affect pre-mRNA splicing, which may result in an abnormal transcript and altered protein product. This variant is expected to result in nonsense mediated decay, truncation, or a dysfunctional protein product. This variant is rare in the general population with a frequency below the threshold expected for the associated phenotype(s). Given the available evidence, this variant is classified as Likely Pathogenic.

Labcorp Genetics (formerly Invitae), Labcorp
Classification: Likely pathogenic for Autosomal recessive polycystic kidney disease. Last evaluated: 2025-08-01. Review status: criteria provided, single submitter. Criteria: Invitae Variant Classification Sherloc (09022015). Collection method: clinical testing. Allele origin: germline.
Comment: This sequence change affects an acceptor splice site in intron 2 of the PKHD1 gene. It is expected to disrupt RNA splicing. Variants that disrupt the donor or acceptor splice site typically lead to a loss of protein function (PMID: 16199547), and loss-of-function variants in PKHD1 are known to be pathogenic (PMID: 19940839). This variant is present in population databases (rs775511838, gnomAD 0.006%). Disruption of this splice site has been observed in individual(s) with clinical features of PKHD1-related conditions (internal data). ClinVar contains an entry for this variant (Variation ID: 551384). Algorithms developed to predict the effect of sequence changes on RNA splicing suggest that this variant may disrupt the consensus splice site. In summary, the currently available evidence indicates that the variant is pathogenic, but additional data are needed to prove that conclusively. Therefore, this variant has been classified as Likely Pathogenic.

Dasa
Classification: Uncertain significance. Last evaluated: 2024-11-15. Review status: criteria provided, single submitter. Criteria: DASA Assertion Criteria. Collection method: clinical testing. Allele origin: germline.
Comment: NM_138694.4(PKHD1):c.53-1G>A affects a canonical splice site and is predicted to disrupt normal RNA splicing. This variant is rare in population databases. The currently available literature and clinical evidence are not sufficient to establish a definitive association between this variant and the reported condition. Therefore, this variant is classified as a variant of uncertain significance.

Fulgent Genetics
Classification: Likely pathogenic for Polycystic kidney disease 4. Last evaluated: 2021-11-09. Review status: criteria provided, single submitter. Criteria: ACMG Guidelines, 2015. Collection method: clinical testing. Allele origin: unknown.

Women's Health and Genetics/Laboratory Corporation of America, LabCorp
Classification: Likely pathogenic for Autosomal recessive polycystic kidney disease. Last evaluated: 2020-08-28. Review status: criteria provided, single submitter. Criteria: LabCorp Variant Classification Summary - May 2015. Collection method: clinical testing. Allele origin: germline.
Comment: Variant summary: PKHD1 c.53-1G>A is located in a canonical splice-site and is predicted to affect mRNA splicing resulting in a significantly altered protein due to either exon skipping, shortening, or inclusion of intronic material. Several computational tools predict a significant impact on normal splicing: Two predict the variant abolishes a 5 splicing donor site. Four predict the variant abolishes a 3 acceptor site. However, these predictions have yet to be confirmed by functional studies. The variant allele was found at a frequency of 8e-06 in 251300 control chromosomes (gnomAD). To our knowledge, no occurrence of c.53-1G>A in individuals affected with Polycystic Kidney and Hepatic Disease and no experimental evidence demonstrating its impact on protein function have been reported. Two ClinVar submitters (evaluation after 2014) cite the variant as likely pathogenic. Based on the evidence outlined above, the variant was classified as likely pathogenic.

Counsyl
Classification: Likely pathogenic for Polycystic kidney disease 4. Last evaluated: 2017-04-26. Review status: no assertion criteria provided. Collection method: clinical testing. Allele origin: unknown. Not counted in ClinVar's aggregate classification.

Literature cited by the submitters: PubMed 16199547 (cited by Labcorp Genetics (formerly Invitae), Labcorp); PubMed 19940839 (cited by Labcorp Genetics (formerly Invitae), Labcorp).

NM_138694.4(PKHD1):c.53-1G>A

Gene: PKHD1 (PKHD1 ciliary IPT domain containing fibrocystin/polyductin; minus strand). Cytogenetic location: 6p12.2.
Variant type: single nucleotide variant.
Coding change: c.53-1G>A on transcript NM_138694.4 (MANE Select); the canonical splice acceptor site of the intron before coding-DNA position 53, G replaced by A.
Molecular consequence: splice acceptor variant.
Genome position (GRCh38, 1-based): chr6:52,083,256, C>T on the plus strand (G>A on the coding strand, the complement: PKHD1 is on the minus strand). VCF-style: chr6-52083256-C-T. GRCh37 (hg19) VCF-style: chr6-51948054-C-T.
Other names: c.53-1G>A (NM_170724.3).
Identifiers: ClinVar variation 551384 (VCV000551384.23), dbSNP rs775511838, ClinGen allele CA3854051.
Genomic context (GRCh38, chr6:52,083,256, plus strand): 5'-TCCACGTTCCCCCTGCAAGGCTACCTTCTTCAGGTTCAATATGTAAACTCAGGTGACGTA[C>T]TGTAAGTAAGTGAAAAAAAACATTGGTTTTGAAGGTCAGATTCAAACCACTACCTTCTGC-3'